The following is an entry in ClinVar:

NM_004484.4(GPC3):c.832T>C (p.Cys278Arg)

Gene: GPC3 (glypican 3; minus strand). Cytogenetic location: Xq26.2.
Variant type: single nucleotide variant.
Coding change: c.832T>C on transcript NM_004484.4 (MANE Select); coding-DNA position 832, T replaced by C.
Protein change: p.Cys278Arg; replaces cysteine 278 with arginine.
Molecular consequence: missense variant.
Genome position (GRCh38, 1-based): chrX:133,753,682, A>G on the plus strand (T>C on the coding strand, the complement: GPC3 is on the minus strand). VCF-style: chrX-133753682-A-G. GRCh37 (hg19) VCF-style: chrX-132887709-A-G.
Other names: c.832T>C, p.Cys278Arg (NM_001164617.2); c.784T>C, p.Cys262Arg (NM_001164618.2); c.670T>C, p.Cys224Arg (NM_001164619.2); short protein forms C278R, C262R, C224R.
Identifiers: ClinVar variation 476667 (VCV000476667.9), dbSNP rs1556297671, ClinGen allele CA414705638.

ClinVar aggregate classification (germline): Uncertain significance (1 of 4 stars; one submission).

Conditions:
Wilms tumor 1 (WT1). Also called: Wilms tumor, somatic. Identifiers: Orphanet 654, MedGen CN033288, MONDO:0008679, OMIM 194070.

Submission:

Labcorp Genetics (formerly Invitae), Labcorp
Classification: Uncertain significance for Wilms tumor 1. Last evaluated: 2017-06-13. Review status: criteria provided, single submitter. Criteria: Invitae Variant Classification Sherloc (09022015). Collection method: clinical testing. Allele origin: germline.
Comment: This sequence change replaces cysteine with arginine at codon 278 of the GPC3 protein (p.Cys278Arg). The cysteine residue is highly conserved and there is a large physicochemical difference between cysteine and arginine. This variant is not present in population databases (ExAC no frequency). This variant has not been reported in the literature in individuals with a GPC3-related disease. Algorithms developed to predict the effect of missense changes on protein structure and function (SIFT, PolyPhen-2, Align-GVGD) all suggest that this variant is likely to be disruptive, but these predictions have not been confirmed by published functional studies and their clinical significance is uncertain. In summary, this variant has uncertain impact on GPC3 function. The available evidence is currently insufficient to determine its role in disease. Therefore, it has been classified as a Variant of Uncertain Significance.